The following is an entry in ClinVar:

NM_001035.3(RYR2):c.4489G>A (p.Gly1497Arg)

Gene: RYR2 (ryanodine receptor 2; plus strand). Cytogenetic location: 1q43.
Variant type: single nucleotide variant.
Coding change: c.4489G>A on transcript NM_001035.3 (MANE Select); coding-DNA position 4489, G replaced by A.
Protein change: p.Gly1497Arg; replaces glycine 1497 with arginine.
Molecular consequence: missense variant.
Genome position (GRCh38, 1-based): chr1:237,595,550, G>A. VCF-style: chr1-237595550-G-A. GRCh37 (hg19) VCF-style: chr1-237758850-G-A.
Other names: c.4489G>A, p.Gly1497Arg (LRG_402t1); short protein forms G1497R.
Identifiers: ClinVar variation 263552 (VCV000263552.17), dbSNP rs748678280, ClinGen allele CA086627.
Genomic context (GRCh38, chr1:237,595,550, plus strand): 5'-AAATTCAGCATCAAACGCAGCAACTGCTATATGGTATGTGCGGGTGAGAGCATGAGCCCC[G>A]GGCAAGGACGCAACAATAATGGACTGGAGATTGGCTGTGTGGTGGATGCTGCCAGCGGGC-3'
Protein context (NP_001026.2, residues 1487-1507): MVCAGESMSP[Gly1497Arg]QGRNNNGLEI

ClinVar aggregate classification (germline): Conflicting classifications of pathogenicity. Review status: criteria provided, conflicting classifications (1 of 4 stars). 4 submissions from 4 submitters: Uncertain significance (3); Likely benign (1). Last evaluated 2025-12-16.

Conditions:
Cardiovascular phenotype. Identifiers: MedGen CN230736.
Catecholaminergic polymorphic ventricular tachycardia (CVPT). Also called: Catecholamine-induced polymorphic ventricular tachycardia. Identifiers: Orphanet 3286, MedGen C5574922, MONDO:0017990.
Cardiomyopathy (CMYO). Also called: Cardiomyopathies. Identifiers: Orphanet 167848, MedGen C0878544, MONDO:0004994, HP:0001638. Inheritance: Various modes of inheritance.
Catecholaminergic polymorphic ventricular tachycardia 1. Also called: VENTRICULAR TACHYCARDIA, STRESS-INDUCED POLYMORPHIC 1; VENTRICULAR TACHYCARDIA, CATECHOLAMINERGIC POLYMORPHIC, 1, WITH OR WITHOUT ATRIAL DYSFUNCTION AND/OR DILATED CARDIOMYOPATHY; RYR2-Related Catecholaminergic Polymorphic Ventricular Tachycardia. Identifiers: Orphanet 3286, MedGen C1631597, MONDO:0011484, OMIM 604772.

Allele frequency attached by ClinVar (database versions not stated): gnomAD exomes 0.00001 and 0.00002; ExAC 0.00002; gnomAD 0.00002 and 0.00003; TOPMed 0.00003.
gnomAD v4.1: 19 of 1,613,512 alleles (0.0012%); highest among the groups gnomAD compares: African/African-American, 0.004%; no homozygotes.

Submissions (4):

Labcorp Genetics (formerly Invitae), Labcorp
Classification: Likely benign for Catecholaminergic polymorphic ventricular tachycardia 1. Last evaluated: 2025-12-16. Review status: criteria provided, single submitter. Criteria: Invitae Variant Classification Sherloc (09022015). Collection method: clinical testing. Allele origin: germline.

Color Diagnostics, LLC DBA Color Health
Classification: Uncertain significance for Cardiomyopathy. Last evaluated: 2024-03-06. Review status: criteria provided, single submitter. Criteria: ACMG Guidelines, 2015. Collection method: clinical testing. Allele origin: germline.
Comment: This missense variant replaces glycine with arginine at codon 1497 of the RYR2 protein. Computational prediction suggests that this variant may not impact protein structure and function (internally defined REVEL score threshold <= 0.5, PMID: 27666373). Splice site prediction tools suggest that this variant may not impact RNA splicing. To our knowledge, functional studies have not been performed for this variant. This variant has not been reported in individuals affected with cardiovascular disorders in the literature. This variant has been identified in 4/248530 chromosomes in the general population by the Genome Aggregation Database (gnomAD). The available evidence is insufficient to determine the role of this variant in disease conclusively. Therefore, this variant is classified as a Variant of Uncertain Significance.

All of Us Research Program, National Institutes of Health
Classification: Uncertain significance for Catecholaminergic polymorphic ventricular tachycardia. Last evaluated: 2023-04-27. Review status: criteria provided, single submitter. Criteria: ACMG Guidelines, 2015. Collection method: clinical testing. Allele origin: germline. Inheritance: Autosomal dominant inheritance. Observed: 1 variant allele, 1 heterozygote.
Comment: This missense variant replaces glycine with arginine at codon 1497 of the RYR2 protein. Computational prediction suggests that this variant may not impact protein structure and function (internally defined REVEL score threshold <= 0.5, PMID: 27666373). Splice site prediction tools suggest that this variant may not impact RNA splicing. To our knowledge, functional studies have not been performed for this variant. This variant has not been reported in individuals affected with cardiovascular disorders in the literature. This variant has been identified in 4/248530 chromosomes in the general population by the Genome Aggregation Database (gnomAD). The available evidence is insufficient to determine the role of this variant in disease conclusively. Therefore, this variant is classified as a Variant of Uncertain Significance.

This study involves interpretation of variants in research participants for the purpose of population health screening. Participant phenotype was not available at the time of variant classification. Additional details can be found in publication PMID: 35346344, PMCID: PMC8962531

Ambry Genetics
Classification: Uncertain significance for Cardiovascular phenotype. Last evaluated: 2013-03-04. Review status: criteria provided, single submitter. Criteria: Ambry Autosomal Dominant and X-Linked criteria (10/2015). Collection method: clinical testing. Allele origin: germline. Observed: 1 variant allele.
Comment: There is insufficient or conflicting evidence for classification of this alteration.